The following is an entry in ClinVar:

NC_000005.10:g.(?_150399002)_(150399068_?)del

Genes: TCOF1 (treacle ribosome biogenesis factor 1; plus strand), LOC129994989 (ATAC-STARR-seq lymphoblastoid active region 23402; plus strand). Cytogenetic location: 5q32.
Variant type: Deletion.
Identifiers: ClinVar variation 584260 (VCV000584260.8).

ClinVar aggregate classification (germline): Likely pathogenic (1 of 4 stars; one submission).

Conditions:
Treacher Collins syndrome 1 (TCS1). Also called: TCOF1-Related Treacher Collins Syndrome. Identifiers: Orphanet 861, MedGen CN315775, MONDO:0007944, OMIM 154500.

Submission:

Labcorp Genetics (formerly Invitae), Labcorp
Classification: Likely pathogenic for Treacher Collins syndrome 1. Last evaluated: 2018-01-08. Review status: criteria provided, single submitter. Criteria: Invitae Variant Classification Sherloc (09022015). Collection method: clinical testing. Allele origin: germline.
Comment: In summary, the currently available evidence indicates that the variant is pathogenic, but additional data are needed to prove that conclusively. Therefore, this variant has been classified as Likely Pathogenic. This variant is a gross deletion of the genomic region encompassing exon 26 of the TCOF1 gene. The 5' boundary is likely confined to intron 25. The 3' end of this event is unknown as it extends through the termination codon beyond the assayed region for this gene and may encompass additional genes. While this deletion is not anticipated to result in nonsense mediated decay, it is expected to create a truncated protein product or disrupt mRNA translation.